The following is an entry in ClinVar:

NM_015047.3(EMC1):c.568G>A (p.Gly190Arg)

Gene: EMC1 (ER membrane protein complex subunit 1; minus strand). Cytogenetic location: 1p36.13.
Variant type: single nucleotide variant.
Coding change: c.568G>A on transcript NM_015047.3 (MANE Select); coding-DNA position 568, G replaced by A.
Protein change: p.Gly190Arg; replaces glycine 190 with arginine.
Molecular consequence: missense variant.
Genome position (GRCh38, 1-based): chr1:19,241,084, C>T on the plus strand (G>A on the coding strand, the complement: EMC1 is on the minus strand). VCF-style: chr1-19241084-C-T. GRCh37 (hg19) VCF-style: chr1-19567578-C-T.
Other names: c.568G>A, p.Gly190Arg (NM_001271427.2, NM_001271428.2, NM_001375820.1 and 1 more transcripts); c.502G>A, p.Gly168Arg (NM_001271429.2); short protein forms G168R, G190R.
Identifiers: ClinVar variation 1346501 (VCV001346501.6), dbSNP rs753052916, ClinGen allele CA652855.

ClinVar aggregate classification (germline): Uncertain significance (1 of 4 stars; one submission).

Allele frequency attached by ClinVar (database versions not stated): gnomAD 0.00001; gnomAD exomes 0.00001 and 0.00002; TOPMed 0.00001; ExAC 0.00003.
gnomAD v4.1: 12 of 1,614,018 alleles (0.00074%); highest among the groups gnomAD compares: South Asian, 0.0044%; no homozygotes.

Submission:

Labcorp Genetics (formerly Invitae), Labcorp
Classification: Uncertain significance. Last evaluated: 2023-02-06. Review status: criteria provided, single submitter. Criteria: Invitae Variant Classification Sherloc (09022015). Collection method: clinical testing. Allele origin: germline.
Comment: This sequence change replaces glycine, which is neutral and non-polar, with arginine, which is basic and polar, at codon 190 of the EMC1 protein (p.Gly190Arg). This variant is present in population databases (rs753052916, gnomAD 0.01%). This variant has not been reported in the literature in individuals affected with EMC1-related conditions. ClinVar contains an entry for this variant (Variation ID: 1346501). Advanced modeling of protein sequence and biophysical properties (such as structural, functional, and spatial information, amino acid conservation, physicochemical variation, residue mobility, and thermodynamic stability) performed at Invitae indicates that this missense variant is not expected to disrupt EMC1 protein function. In summary, the available evidence is currently insufficient to determine the role of this variant in disease. Therefore, it has been classified as a Variant of Uncertain Significance.